The following is an entry in ClinVar:

NM_006005.3(WFS1):c.1947C>G (p.Phe649Leu)

Gene: WFS1 (wolframin ER transmembrane glycoprotein; plus strand). Cytogenetic location: 4p16.1.
Variant type: single nucleotide variant.
Coding change: c.1947C>G on transcript NM_006005.3 (MANE Select); coding-DNA position 1947, C replaced by G.
Protein change: p.Phe649Leu; replaces phenylalanine 649 with leucine.
Molecular consequence: missense variant.
Genome position (GRCh38, 1-based): chr4:6,301,742, C>G. VCF-style: chr4-6301742-C-G. GRCh37 (hg19) VCF-style: chr4-6303469-C-G.
Other names: c.1947C>G, p.Phe649Leu (NM_001145853.1); short protein forms F649L.
Identifiers: ClinVar variation 2430204 (VCV002430204.2), dbSNP rs886044044, ClinGen allele CA356177155.
Genomic context (GRCh38, chr4:6,301,742, plus strand): 5'-GAGCTCCATGGTCAAGCTCATCCTGGTGTGGCTCACGGCCATCGTGCTGTTCTGCTGGTT[C>G]TATGTGTACCGCTCAGAGGGCATGAAGGTCTACAACTCCACACTGACCTGGCAGCAGTAT-3'
Protein context (NP_005996.2, residues 639-659): WLTAIVLFCW[Phe649Leu]YVYRSEGMKV

ClinVar aggregate classification (germline): Uncertain significance. Review status: criteria provided, multiple submitters, no conflicts (2 of 4 stars). 2 submissions from 2 submitters: Uncertain significance (2). Last evaluated 2024-05-23.

Conditions:
Wolfram syndrome 1 (WFS1). Identifiers: Orphanet 3463, MedGen C4551693, MONDO:0009101, OMIM 222300.

gnomAD v4.1: 5 of 1,613,960 alleles (0.00031%); highest among the groups gnomAD compares: Non-Finnish European, 0.00042%; no homozygotes.

Submissions (2):

Blueprint Genetics
Classification: Uncertain significance. Last evaluated: 2024-05-23. Review status: criteria provided, single submitter. Criteria: ACMG Guidelines, 2015. Collection method: clinical testing. Allele origin: germline.

Clinical Genomics, Uppaluri K&H Personalized Medicine Clinic
Classification: Uncertain significance for Wolfram syndrome 1. Review status: criteria provided, single submitter. Criteria: K & H Uppaluri Personalized Medicine Clinic Variant Classification & Assertion Criteria_Updated V.1. Collection method: research. Allele origin: unknown. Inheritance: Autosomal recessive inheritance.
Comment: Potent mutations in WFS1 gene are associated with Wolfram's syndrome, an autosomal recessive condition, which cause diabetes mellitus, diabetes insipidus, deafness and optic atrophy. However no sufficient evidence is found to ascertain the role of this particular variant rs886044044 in Wolfram's syndrome yet.

Literature cited by the submitters: PubMed 20738327 (cited by Clinical Genomics, Uppaluri K&H Personalized Medicine Clinic); PubMed 33879153 (cited by Clinical Genomics, Uppaluri K&H Personalized Medicine Clinic); PubMed 12955714 (cited by Clinical Genomics, Uppaluri K&H Personalized Medicine Clinic); PubMed 18060660 (cited by Clinical Genomics, Uppaluri K&H Personalized Medicine Clinic); PubMed 20301750 (cited by Clinical Genomics, Uppaluri K&H Personalized Medicine Clinic); PubMed 17603484 (cited by Clinical Genomics, Uppaluri K&H Personalized Medicine Clinic).